The following is an entry in ClinVar:

NM_015386.3(COG4):c.1840G>T (p.Glu614Ter)

Gene: COG4 (component of oligomeric golgi complex 4; minus strand). Cytogenetic location: 16q22.1.
Variant type: single nucleotide variant.
Coding change: c.1840G>T on transcript NM_015386.3 (MANE Select); coding-DNA position 1840, G replaced by T.
Protein change: p.Glu614Ter; replaces glutamic acid 614 with a stop codon.
Molecular consequence: nonsense. On other transcripts: non-coding transcript variant (1).
Genome position (GRCh38, 1-based): chr16:70,482,809, C>A on the plus strand (G>T on the coding strand, the complement: COG4 is on the minus strand). VCF-style: chr16-70482809-C-A. GRCh37 (hg19) VCF-style: chr16-70516712-C-A.
Other names: c.1765G>T, p.Glu589Ter (NM_001195139.2); c.1414G>T, p.Glu472Ter (NM_001365426.1); short protein forms E614*, E472*, E589*.
Identifiers: ClinVar variation 599648 (VCV000599648.8), dbSNP rs1048764460, ClinGen allele CA283482590.

ClinVar aggregate classification (germline): Pathogenic. Review status: criteria provided, multiple submitters, no conflicts (2 of 4 stars). 4 submissions from 3 submitters: Pathogenic (3). 1 of the submissions does not count toward it. Last evaluated 2023-11-28.

Conditions:
Delayed gross motor development. Identifiers: MedGen C1837658, HP:0002194.
COG4-congenital disorder of glycosylation. Also called: COG4-CDG; CONGENITAL DISORDER OF GLYCOSYLATION, TYPE IIj; CDG IIj. Identifiers: Orphanet 263501, MedGen C4303552, MONDO:0013281, OMIM 613489.
Microcephalic osteodysplastic dysplasia, Saul-Wilson type. Also called: Saul-Wilson Syndrome; MICROCEPHALIC OSTEODYSPLASTIC DYSPLASIA. Identifiers: Orphanet 85172, MedGen C4509877, MONDO:0019407, OMIM 618150.

Allele frequency attached by ClinVar (database versions not stated): TOPMed 0.00003; gnomAD 0.00005 and 0.00006.
gnomAD v4.1: 32 of 1,613,456 alleles (0.002%); highest among the groups gnomAD compares: Non-Finnish European, 0.0027%; no homozygotes.

Submissions (4):

Labcorp Genetics (formerly Invitae), Labcorp
Classification: Pathogenic for COG4-congenital disorder of glycosylation. Last evaluated: 2023-11-28. Review status: criteria provided, single submitter. Criteria: Invitae Variant Classification Sherloc (09022015). Collection method: clinical testing. Allele origin: germline.
Comment: This sequence change creates a premature translational stop signal (p.Glu614*) in the COG4 gene. It is expected to result in an absent or disrupted protein product. Loss-of-function variants in COG4 are known to be pathogenic (PMID: 21185756). This variant is present in population databases (no rsID available, gnomAD 0.007%). This premature translational stop signal has been observed in individual(s) with congenital disorder of glycosylation (PMID: 32064623). ClinVar contains an entry for this variant (Variation ID: 599648). For these reasons, this variant has been classified as Pathogenic.

Fulgent Genetics
Classification: Pathogenic for COG4-congenital disorder of glycosylation; Microcephalic osteodysplastic dysplasia, Saul-Wilson type. Last evaluated: 2022-03-29. Review status: criteria provided, single submitter. Criteria: ACMG Guidelines, 2015. Collection method: clinical testing. Allele origin: unknown.

GeneDx
Classification: Pathogenic for Delayed gross motor development. Last evaluated: 2018-07-30. Review status: criteria provided, single submitter. Criteria: GeneDx Variant Classification (06012015). Collection method: clinical testing. Allele origin: maternal. Affected: yes.

GeneDx
Classification: Pathogenic. Last evaluated: 2020-09-29. Review status: flagged submission. Criteria: GeneDx Variant Classification (06012015). Collection method: clinical testing. Allele origin: germline. Affected: yes. Not counted in ClinVar's aggregate classification.
Comment: The E614X variant in the COG4 gene has not been reported previously as a pathogenic variant nor as a benign variant, to our knowledge. This variant is predicted to cause loss of normal protein function either through protein truncation or nonsense-mediated mRNA decay. The E614X variant is not observed at a significant frequency in large population cohorts (Lek et al., 2016). We interpret E614X as a pathogenic variant.
ClinVar note: Reason: This record appears to be redundant with a more recent record from the same submitter.
ClinVar note: Notes: SCV000890572 appears to be redundant with SCV000854633.

Literature cited by the submitters: PubMed 21185756 (cited by Labcorp Genetics (formerly Invitae), Labcorp); PubMed 32064623 (cited by Labcorp Genetics (formerly Invitae), Labcorp).